The following is an entry in ClinVar:

NM_181882.3(PRX):c.2750G>A (p.Arg917Gln)

Gene: PRX (periaxin; minus strand). Cytogenetic location: 19q13.2.
Variant type: single nucleotide variant.
Coding change: c.2750G>A on transcript NM_181882.3 (MANE Select); coding-DNA position 2750, G replaced by A.
Protein change: p.Arg917Gln; replaces arginine 917 with glutamine.
Molecular consequence: missense variant. On other transcripts: 3 prime UTR variant (1).
Genome position (GRCh38, 1-based): chr19:40,395,602, C>T on the plus strand (G>A on the coding strand, the complement: PRX is on the minus strand). VCF-style: chr19-40395602-C-T. GRCh37 (hg19) VCF-style: chr19-40901509-C-T.
Other names: c.3035G>A, p.Arg1012Gln (NM_001411127.1); c.*2955G>A (NM_020956.2); short protein forms R1012Q, R917Q.
Identifiers: ClinVar variation 1795562 (VCV001795562.8), dbSNP rs745442249, ClinGen allele CA9443985.

ClinVar aggregate classification (germline): Conflicting classifications of pathogenicity. Review status: criteria provided, conflicting classifications (1 of 4 stars). 3 submissions from 3 submitters: Uncertain significance (2); Likely benign (1). Last evaluated 2026-08-20.

Conditions:
Inborn genetic diseases. Identifiers: MedGen C0950123, MeSH D030342.
PRX-related disorder. Also called: PRX-Related Disorders; PRX-related condition.
Charcot-Marie-Tooth disease type 4. Also called: Charcot-Marie-Tooth disease, type IV; Charcot-Marie-Tooth, Type 4. Identifiers: Orphanet 64749, MedGen C4082197, MONDO:0018995.

Allele frequency attached by ClinVar (database versions not stated): TOPMed 0.00002; gnomAD exomes 0.00004; ExAC 0.00005; gnomAD 0.00011.
gnomAD v4.1: 70 of 1,614,072 alleles (0.0043%); highest among the groups gnomAD compares: Middle Eastern, 0.016%; no homozygotes.

Submissions (3):

PreventionGenetics, part of Exact Sciences
Classification: Uncertain significance for PRX-related condition. Last evaluated: 2026-08-20. Review status: criteria provided, single submitter. Criteria: ACMG Guidelines, 2015. Collection method: clinical testing. Allele origin: germline.
Comment: The PRX c.2750G>A variant is predicted to result in the amino acid substitution p.Arg917Gln. To our knowledge, this variant has not been reported in the literature. This variant is reported in 0.072% of alleles in individuals of European (Finnish) descent in gnomAD. Although we suspect that this variant may be benign, at this time, the clinical significance of this variant is uncertain due to the absence of conclusive functional and genetic evidence.

Labcorp Genetics (formerly Invitae), Labcorp
Classification: Uncertain significance for Charcot-Marie-Tooth disease type 4. Last evaluated: 2022-06-14. Review status: criteria provided, single submitter. Criteria: Invitae Variant Classification Sherloc (09022015). Collection method: clinical testing. Allele origin: germline.
Comment: This variant is present in population databases (rs745442249, gnomAD 0.07%). In summary, the available evidence is currently insufficient to determine the role of this variant in disease. Therefore, it has been classified as a Variant of Uncertain Significance. Algorithms developed to predict the effect of missense changes on protein structure and function output the following: SIFT: "Tolerated"; PolyPhen-2: "Benign"; Align-GVGD: "Class C0". The glutamine amino acid residue is found in multiple mammalian species, which suggests that this missense change does not adversely affect protein function. This variant has not been reported in the literature in individuals affected with PRX-related conditions. This sequence change replaces arginine, which is basic and polar, with glutamine, which is neutral and polar, at codon 917 of the PRX protein (p.Arg917Gln).

Ambry Genetics
Classification: Likely benign for Inborn genetic diseases. Last evaluated: 2022-04-07. Review status: criteria provided, single submitter. Criteria: Ambry Variant Classification Scheme 2023. Collection method: clinical testing. Allele origin: germline.